The following is an entry in ClinVar:

ClinVar aggregate classification (germline): Pathogenic (1 of 4 stars; one submission).

Submission:

GeneDx
Classification: Pathogenic. Last evaluated: 2026-01-28. Review status: criteria provided, single submitter. Criteria: GeneDx Variant Classification Process June 2021. Collection method: clinical testing. Allele origin: germline.
Comment: Not observed at significant frequency in large population cohorts (gnomAD); In silico analysis supports that this missense variant has a deleterious effect on protein structure/function; Has not been previously published as pathogenic or benign to our knowledge

NM_004606.5(TAF1):c.2609G>A (p.Arg870His)

Gene: TAF1 (TATA-box binding protein associated factor 1; plus strand). Cytogenetic location: Xq13.1.
Variant type: single nucleotide variant.
Coding change: c.2609G>A on transcript NM_004606.5 (MANE Select); coding-DNA position 2609, G replaced by A.
Protein change: p.Arg870His; replaces arginine 870 with histidine.
Molecular consequence: missense variant. On other transcripts: non-coding transcript variant (9).
Genome position (GRCh38, 1-based): chrX:71,388,777, G>A. VCF-style: chrX-71388777-G-A. GRCh37 (hg19) VCF-style: chrX-70608627-G-A.
Other names: c.2609G>A, p.Arg870His (NM_001286074.2); c.2546G>A, p.Arg849His (NM_138923.4); short protein forms R849H, R870H.
Identifiers: ClinVar variation 3777573 (VCV003777573.2).